The following is an entry in ClinVar:

NM_024700.4(SNIP1):c.941C>T (p.Thr314Ile)

Gene: SNIP1 (Smad nuclear interacting protein 1; minus strand). Cytogenetic location: 1p34.3.
Variant type: single nucleotide variant.
Coding change: c.941C>T on transcript NM_024700.4 (MANE Select); coding-DNA position 941, C replaced by T.
Protein change: p.Thr314Ile; replaces threonine 314 with isoleucine.
Molecular consequence: missense variant.
Genome position (GRCh38, 1-based): chr1:37,537,998, G>A on the plus strand (C>T on the coding strand, the complement: SNIP1 is on the minus strand). VCF-style: chr1-37537998-G-A. GRCh37 (hg19) VCF-style: chr1-38003599-G-A.
Other names: short protein forms T314I.
Identifiers: ClinVar variation 3607020 (VCV003607020.2).

ClinVar aggregate classification (germline): Uncertain significance (1 of 4 stars; one submission).

gnomAD v4.1: 1 of 1,605,146 alleles (0.000062%); highest among the groups gnomAD compares: South Asian, 0.0011%; no homozygotes.

Submission:

Labcorp Genetics (formerly Invitae), Labcorp
Classification: Uncertain significance. Last evaluated: 2024-06-09. Review status: criteria provided, single submitter. Criteria: Invitae Variant Classification Sherloc (09022015). Collection method: clinical testing. Allele origin: germline.
Comment: This sequence change replaces threonine, which is neutral and polar, with isoleucine, which is neutral and non-polar, at codon 314 of the SNIP1 protein (p.Thr314Ile). This variant is not present in population databases (gnomAD no frequency). This variant has not been reported in the literature in individuals affected with SNIP1-related conditions. Advanced modeling of protein sequence and biophysical properties (such as structural, functional, and spatial information, amino acid conservation, physicochemical variation, residue mobility, and thermodynamic stability) has been performed at Invitae for this missense variant, however the output from this modeling did not meet the statistical confidence thresholds required to predict the impact of this variant on SNIP1 protein function. In summary, the available evidence is currently insufficient to determine the role of this variant in disease. Therefore, it has been classified as a Variant of Uncertain Significance.